The following is an entry in ClinVar:

ClinVar aggregate classification (germline): Uncertain significance. Review status: criteria provided, multiple submitters, no conflicts (2 of 4 stars). 2 submissions from 2 submitters: Uncertain significance (2). Last evaluated 2025-10-15.

Allele frequency attached by ClinVar (database versions not stated): TOPMed 0.00005; gnomAD 0.00006; ExAC 0.00015; gnomAD exomes 0.00015.
gnomAD v4.1: 128 of 1,612,478 alleles (0.0079%); highest among the groups gnomAD compares: Admixed American, 0.04%; no homozygotes.

Submissions (2):

Labcorp Genetics (formerly Invitae), Labcorp
Classification: Uncertain significance. Last evaluated: 2025-10-15. Review status: criteria provided, single submitter. Criteria: Invitae Variant Classification Sherloc (09022015). Collection method: clinical testing. Allele origin: germline.
Comment: This sequence change replaces arginine, which is basic and polar, with histidine, which is basic and polar, at codon 521 of the MKL1 protein (p.Arg521His). This variant is present in population databases (rs775640702, gnomAD 0.06%), and has an allele count higher than expected for a pathogenic variant. This variant has not been reported in the literature in individuals affected with MKL1-related conditions. ClinVar contains an entry for this variant (Variation ID: 1683028). An algorithm developed to predict the effect of missense changes on protein structure and function (PolyPhen-2) suggests that this variant is likely to be disruptive. In summary, the available evidence is currently insufficient to determine the role of this variant in disease. Therefore, it has been classified as a Variant of Uncertain Significance.

Ambry Genetics
Classification: Uncertain significance. Last evaluated: 2023-04-13. Review status: criteria provided, single submitter. Criteria: Ambry Variant Classification Scheme 2023. Collection method: clinical testing. Allele origin: germline.

NM_020831.6(MRTFA):c.1862G>A (p.Arg621His)

Gene: MRTFA (myocardin related transcription factor A; minus strand). Cytogenetic location: 22q13.1.
Variant type: single nucleotide variant.
Coding change: c.1862G>A on transcript NM_020831.6 (MANE Select); coding-DNA position 1862, G replaced by A.
Protein change: p.Arg621His; replaces arginine 621 with histidine.
Molecular consequence: missense variant.
Genome position (GRCh38, 1-based): chr22:40,418,876, C>T on the plus strand (G>A on the coding strand, the complement: MRTFA is on the minus strand). VCF-style: chr22-40418876-C-T. GRCh37 (hg19) VCF-style: chr22-40814880-C-T.
Other names: c.1562G>A (NM_020831.3); c.1562G>A, p.Arg521His (NM_001282660.2); c.1712G>A, p.Arg571His (NM_001282661.3); c.1862G>A, p.Arg621His (NM_001282662.3); c.1667G>A, p.Arg556His (NM_001318139.2); short protein forms R521H, R556H, R571H, R621H.
Identifiers: ClinVar variation 1683028 (VCV001683028.8), dbSNP rs775640702, ClinGen allele CA10249516.
Genomic context (GRCh38, chr22:40,418,876, plus strand): 5'-AGCATGCGCGTCAGCGCCTCGATCTGCTTGTCTTTCTCCTGCAGCATCTGGTCCTTGTCG[C>T]GCCCCTCTAGCTCCGCCCGCCCCCCAGGGCTCAGGCAACAGGACCCGGCCCGGGGGCCCT-3'
Protein context (NP_065882.2, residues 611-631): SPGGRAELEG[Arg621His]DKDQMLQEKD